The following is an entry in ClinVar:

ClinVar aggregate classification (germline): Uncertain significance (1 of 4 stars; one submission).

gnomAD v4.1: 1 of 1,506,866 alleles (0.000066%); highest among the groups gnomAD compares: Non-Finnish European, 0.000092%; no homozygotes.

Submission:

Women's Health and Genetics/Laboratory Corporation of America, LabCorp
Classification: Uncertain significance. Last evaluated: 2024-10-21. Review status: criteria provided, single submitter. Criteria: LabCorp Variant Classification Summary - May 2015. Collection method: clinical testing. Allele origin: germline.
Comment: Variant summary: CAMTA1 c.46A>G (p.Ser16Gly) results in a non-conservative amino acid change in the encoded protein sequence. Three of five in-silico tools predict a damaging effect of the variant on protein function. Consensus agreement among computation tools predict no significant impact on normal splicing. However, these predictions have yet to be confirmed by functional studies. The variant was absent in 248850 control chromosomes. The available data on variant occurrences in the general population are insufficient to allow any conclusion about variant significance. To our knowledge, no occurrence of c.46A>G in individuals affected with Nonprogressive Cerebellar Atxia With Intellectual Disability and no experimental evidence demonstrating its impact on protein function have been reported. No submitters have cited clinical-significance assessments for this variant to ClinVar. Based on the evidence outlined above, the variant was classified as uncertain significance.

NM_015215.4(CAMTA1):c.46A>G (p.Ser16Gly)

Gene: CAMTA1 (calmodulin binding transcription activator 1; plus strand). Cytogenetic location: 1p36.31.
Variant type: single nucleotide variant.
Coding change: c.46A>G on transcript NM_015215.4 (MANE Select); coding-DNA position 46, A replaced by G.
Protein change: p.Ser16Gly; replaces serine 16 with glycine.
Molecular consequence: missense variant. On other transcripts: intron variant (3).
Genome position (GRCh38, 1-based): chr1:6,820,181, A>G. VCF-style: chr1-6820181-A-G. GRCh37 (hg19) VCF-style: chr1-6880241-A-G.
Other names: c.46A>G, p.Ser16Gly (NM_001195563.2, NM_001242701.2, NM_001349609.2 and 3 more transcripts); c.26-4911A>G (NM_001349608.2, NM_001349612.2); c.152-4911A>G (NM_001349627.2); short protein forms S16G.
Identifiers: ClinVar variation 3385166 (VCV003385166.1).